The following is an entry in ClinVar:

ClinVar aggregate classification (germline): Pathogenic/Likely pathogenic. Review status: criteria provided, multiple submitters, no conflicts (2 of 4 stars). 2 submissions from 2 submitters: Pathogenic (1); Likely pathogenic (1). Last evaluated 2026-01-12.

Conditions:
Bardet-Biedl syndrome (BBS). Identifiers: Orphanet 110, MedGen C0752166, MONDO:0015229.
Retinitis pigmentosa 51 (RP51). Identifiers: Orphanet 791, MedGen C3150715, MONDO:0013274, OMIM 613464.

Submissions (2):

Labcorp Genetics (formerly Invitae), Labcorp
Classification: Pathogenic for Bardet-Biedl syndrome. Last evaluated: 2026-01-12. Review status: criteria provided, single submitter. Criteria: Invitae Variant Classification Sherloc (09022015). Collection method: clinical testing. Allele origin: germline.
Comment: This sequence change creates a premature translational stop signal (p.His191Serfs*3) in the TTC8 gene. It is expected to result in an absent or disrupted protein product. Loss-of-function variants in TTC8 are known to be pathogenic (PMID: 16308660, 16877420, 19797195, 21052717, 30886724). This variant is not present in population databases (gnomAD no frequency). This variant has not been reported in the literature in individuals affected with TTC8-related conditions. ClinVar contains an entry for this variant (Variation ID: 2679373). For these reasons, this variant has been classified as Pathogenic.

Baylor Genetics
Classification: Likely pathogenic for Retinitis pigmentosa 51. Last evaluated: 2023-08-23. Review status: criteria provided, single submitter. Criteria: ACMG Guidelines, 2015. Collection method: clinical testing. Allele origin: unknown.

Literature cited by the submitters: PubMed 16308660 (cited by Labcorp Genetics (formerly Invitae), Labcorp); PubMed 16877420 (cited by Labcorp Genetics (formerly Invitae), Labcorp); PubMed 19797195 (cited by Labcorp Genetics (formerly Invitae), Labcorp); PubMed 21052717 (cited by Labcorp Genetics (formerly Invitae), Labcorp); PubMed 30886724 (cited by Labcorp Genetics (formerly Invitae), Labcorp).

NM_144596.4(TTC8):c.600dup (p.His201fs)

Gene: TTC8 (tetratricopeptide repeat domain 8; plus strand). Cytogenetic location: 14q31.3.
Variant type: Duplication.
Coding change: c.600dup on transcript NM_144596.4 (MANE Select); coding-DNA position 600, one base duplicated (T; older notation c.600dupT).
Protein change: p.His201fs; shifts the reading frame from histidine 201.
Molecular consequence: frameshift variant. On other transcripts: 5 prime UTR variant (1), non-coding transcript variant (1), intron variant (1).
Genome position (GRCh38, 1-based): chr14:88,843,826, T duplicated; the last of 3 consecutive T bases (chr14:88,843,824-88,843,826); duplicating any one gives the same sequence. VCF-style (leftmost placement, unchanged base first): chr14-88843823-C-CT. GRCh37 (hg19) VCF-style: chr14-89310167-C-CT.
Other names: c.600dup (NM_144596.3); c.570dup, p.His191fs (NM_001288781.1, NM_001366535.2, NM_198309.3); c.-178dup (NM_001288783.1); c.480dup, p.His161fs (NM_001366536.2, NM_198310.3); c.30+2269dup (NM_001288782.1); short protein forms H161fs, H191fs, H201fs.
Identifiers: ClinVar variation 2679373 (VCV002679373.4), dbSNP rs2546175066, ClinGen allele CA2626028494.
Genomic context (GRCh38, chr14:88,843,823, plus strand): 5'-AAAAAAAAAATCTAACGTATTTTTGACACTTTTTTCTTCACAGGCTTTGTTTGAGTATAT[C>CT]TTTCATCATGAAAATGATGTTAAGACTGTAAGTTTTGAATTCATGCTATTTTCTTTTATT-3'